The following is an entry in ClinVar:

NM_006941.4(SOX10):c.397G>T (p.Glu133Ter)

Genes: POLR2F (RNA polymerase II, I and III subunit F; plus strand), SOX10 (SRY-box transcription factor 10; minus strand). Cytogenetic location: 22q13.1.
Variant type: single nucleotide variant.
Coding change: c.397G>T on transcript NM_006941.4 (MANE Select); coding-DNA position 397, G replaced by T.
Protein change: p.Glu133Ter; replaces glutamic acid 133 with a stop codon.
Molecular consequence: nonsense. On other transcripts: intron variant (3).
Genome position (GRCh38, 1-based): chr22:37,983,388, C>A on the plus strand (G>T on the coding strand, the complement: SOX10 is on the minus strand). VCF-style: chr22-37983388-C-A. GRCh37 (hg19) VCF-style: chr22-38379395-C-A.
Other names: c.*38+11078C>A (NM_001363825.1); c.294-2766C>A (NM_001301130.2); c.293+16218C>A (NM_001301131.2); short protein forms E133*.
Identifiers: ClinVar variation 3601826 (VCV003601826.1).

ClinVar aggregate classification (germline): Pathogenic (1 of 4 stars; one submission).

Conditions:
Waardenburg syndrome type 4C (WS4C). Also called: WAARDENBURG SYNDROME WITH HIRSCHSPRUNG DISEASE, TYPE 4C. Identifiers: Orphanet 897, MedGen C2750452, MONDO:0013202, OMIM 613266.

Submission:

Institute of Rare Diseases, West China Hospital, Sichuan University
Classification: Pathogenic for Waardenburg syndrome type 4C. Last evaluated: 2025-01-09. Review status: criteria provided, single submitter. Criteria: ClinGen HL ACMG Specifications v1. Collection method: research. Allele origin: germline. Affected: yes.
Comment: PM1;PVS1;PS2;PM2_Supporting